The following is an entry in ClinVar:

ClinVar aggregate classification (germline): Conflicting classifications of pathogenicity. Review status: criteria provided, conflicting classifications (1 of 4 stars). 2 submissions from 2 submitters: Uncertain significance (1); Likely benign (1). Last evaluated 2025-08-18.

Conditions:
Inborn genetic diseases. Identifiers: MedGen C0950123, MeSH D030342.
Charcot-Marie-Tooth disease axonal type 2O. Also called: CHARCOT-MARIE-TOOTH NEUROPATHY, AXONAL, TYPE 2O; CHARCOT-MARIE-TOOTH DISEASE, AXONAL, AUTOSOMAL DOMINANT, TYPE 2O; Charcot-Marie-Tooth disease, axonal, type 20; Charcot-Marie-Tooth Neuropathy Type 2O. Identifiers: Orphanet 284232, MedGen C3280220, MONDO:0013644, OMIM 614228.

Allele frequency attached by ClinVar (database versions not stated): gnomAD 0.00001; gnomAD exomes 0.00001 and 0.00003; ExAC 0.00002; TOPMed 0.00002.
gnomAD v4.1: 14 of 1,612,722 alleles (0.00087%); highest among the groups gnomAD compares: Admixed American, 0.012%; no homozygotes.

Submissions (2):

Labcorp Genetics (formerly Invitae), Labcorp
Classification: Likely benign for Charcot-Marie-Tooth disease axonal type 2O. Last evaluated: 2025-08-18. Review status: criteria provided, single submitter. Criteria: Invitae Variant Classification Sherloc (09022015). Collection method: clinical testing. Allele origin: germline.

Ambry Genetics
Classification: Uncertain significance for Inborn genetic diseases. Last evaluated: 2017-09-20. Review status: criteria provided, single submitter. Criteria: Ambry Variant Classification Scheme 2023. Collection method: clinical testing. Allele origin: germline.
Comment: The p.G89S variant (also known as c.265G>A), located in coding exon 2 of the DYNC1H1 gene, results from a G to A substitution at nucleotide position 265. The glycine at codon 89 is replaced by serine, an amino acid with similar properties. This amino acid position is highly conserved in available vertebrate species. In addition, this alteration is predicted to be tolerated by in silico analysis. Since supporting evidence is limited at this time, the clinical significance of this alteration remains unclear.

NM_001376.5(DYNC1H1):c.265G>A (p.Gly89Ser)

Gene: DYNC1H1 (dynein cytoplasmic 1 heavy chain 1; plus strand). Cytogenetic location: 14q32.31.
Variant type: single nucleotide variant.
Coding change: c.265G>A on transcript NM_001376.5 (MANE Select); coding-DNA position 265, G replaced by A.
Protein change: p.Gly89Ser; replaces glycine 89 with serine.
Molecular consequence: missense variant.
Genome position (GRCh38, 1-based): chr14:101,975,720, G>A. VCF-style: chr14-101975720-G-A. GRCh37 (hg19) VCF-style: chr14-102442057-G-A.
Other names: short protein forms G89S.
Identifiers: ClinVar variation 655164 (VCV000655164.10), dbSNP rs749973847, ClinGen allele CA7351489.